The following is an entry in ClinVar:

NM_020529.3(NFKBIA):c.336+104T>C

Genes: NFKBIA (NFKB inhibitor alpha; minus strand), LOC130055495 (ATAC-STARR-seq lymphoblastoid active region 8277; plus strand). Cytogenetic location: 14q13.2.
Variant type: single nucleotide variant.
Coding change: c.336+104T>C on transcript NM_020529.3 (MANE Select); 104 bases into the intron after coding-DNA position 336, T replaced by C.
Molecular consequence: intron variant.
Genome position (GRCh38, 1-based): chr14:35,403,586, A>G on the plus strand (T>C on the coding strand, the complement: NFKBIA is on the minus strand). VCF-style: chr14-35403586-A-G. GRCh37 (hg19) VCF-style: chr14-35872792-A-G.
Identifiers: ClinVar variation 1283234 (VCV001283234.4), dbSNP rs2233415, ClinGen allele CA14018711.

ClinVar aggregate classification (germline): Benign. Review status: criteria provided, multiple submitters, no conflicts (2 of 4 stars). 3 submissions from 3 submitters: Benign (3). Last evaluated 2023-11-12.

Allele frequency attached by ClinVar (database versions not stated): 1000 Genomes Project 30x 0.65974; 1000 Genomes Project 0.66673; TOPMed 0.65448.
gnomAD v4.1: 647,831 of 885,522 alleles (73%); highest among the groups gnomAD compares: South Asian, 84%; 240,882 homozygotes.

Submissions (3):

Unidad de Genómica Garrahan, Hospital de Pediatría Garrahan
Classification: Benign. Last evaluated: 2023-11-12. Review status: criteria provided, single submitter. Criteria: ACMG Guidelines, 2015. Collection method: clinical testing. Allele origin: germline. Affected: no. Observed: 80 variant alleles.
Comment: This variant is classified as Benign based on local population frequency. This variant was detected in 83% of patients studied by a panel of primary immunodeficiencies. Number of patients: 80. Only high quality variants are reported.

GeneDx
Classification: Benign. Last evaluated: 2018-11-12. Review status: criteria provided, single submitter. Criteria: GeneDx Variant Classification Process June 2021. Collection method: clinical testing. Allele origin: germline. Affected: yes.

Breakthrough Genomics
Classification: Benign. Review status: criteria provided, single submitter. Criteria: ACMG Guidelines, 2015. Collection method: not provided. Allele origin: germline. Inheritance: Autosomal dominant inheritance. Affected: yes.